The following is an entry in ClinVar:

ClinVar aggregate classification (germline): Uncertain significance (0 of 4 stars; one submission).

Conditions:
HIVEP2-related disorder. Also called: HIVEP2-related condition.

Submission:

PreventionGenetics, part of Exact Sciences
Classification: Uncertain significance for HIVEP2-related condition. Last evaluated: 2023-12-07. Review status: no assertion criteria provided. Collection method: clinical testing. Allele origin: germline.
Comment: The HIVEP2 c.3395_3436del42 variant is predicted to result in an in-frame deletion (p.Gln1132_Pro1145del). To our knowledge, this variant has not been reported in the literature or in a large population database, indicating this variant is rare. At this time, the clinical significance of this variant is uncertain due to the absence of conclusive functional and genetic evidence.

NM_006734.4(HIVEP2):c.3395_3436del (p.Gln1132_Pro1145del)

Gene: HIVEP2 (HIVEP zinc finger 2; minus strand). Cytogenetic location: 6q24.2.
Variant type: Deletion.
Coding change: c.3395_3436del on transcript NM_006734.4 (MANE Select); coding-DNA positions 3395 to 3436, 42 bases deleted.
Protein change: p.Gln1132_Pro1145del.
Genome position (GRCh38, 1-based): chr6:142,771,303-142,771,344, 42 bases deleted; deleting any 42 consecutive bases within chr6:142,771,303-142,771,346 gives the same sequence; the c. name uses the placement nearest the transcript's 3' end. GRCh37 (hg19): chr6:143,092,442-143,092,483.
Identifiers: ClinVar variation 3037298 (VCV003037298.2), dbSNP rs2482831163, ClinGen allele CA2740091505.